The following is an entry in ClinVar:

ClinVar aggregate classification (germline): Likely benign (1 of 4 stars; one submission).

Submission:

GeneDx
Classification: Likely benign. Last evaluated: 2018-06-19. Review status: criteria provided, single submitter. Criteria: GeneDx Variant Classification (06012015). Collection method: clinical testing. Allele origin: germline. Affected: yes.
Comment: This variant is considered likely benign or benign based on one or more of the following criteria: it is a conservative change, it occurs at a poorly conserved position in the protein, it is predicted to be benign by multiple in silico algorithms, and/or has population frequency not consistent with disease.

NM_004006.3(DMD):c.3787-779_3787-777del

Gene: DMD (dystrophin; minus strand). Cytogenetic location: Xp21.1.
Variant type: Microsatellite.
Coding change: c.3787-779_3787-777del on transcript NM_004006.3 (MANE Select); 779 bases into the intron before coding-DNA position 3787 through 777 bases into the intron before coding-DNA position 3787, 3 bases deleted (TCT; older notation c.3787-779_3787-777delTCT).
Molecular consequence: intron variant.
Genome position (GRCh38, 1-based): chrX:32,442,091-32,442,093, AGA deleted on the plus strand (TCT on the coding strand, the reverse complement: DMD is on the minus strand); deleting any 3 consecutive bases within chrX:32,442,091-32,442,097 gives the same sequence; the c. name uses the placement nearest the transcript's 3' end. VCF-style (leftmost placement, unchanged base first): chrX-32442090-TAGA-T. GRCh37 (hg19) VCF-style: chrX-32460207-TAGA-T.
Other names: c.3763-779_3763-777del (NM_000109.4); c.3775-779_3775-777del (NM_004009.3); c.3418-779_3418-777del (NM_004010.3).
Identifiers: ClinVar variation 678525 (VCV000678525.1), dbSNP rs200194785, ClinGen allele CA328027873.
Genomic context (GRCh38, chrX:32,442,090, plus strand): 5'-TGATTTATACACAGAAGTACTCATAAAAAAGCAGAACTTTAAAATTTCTACAAGAAAATA[TAGA>T]AGAAAATATTTCTGACTTTGGCATAGAGAAGAATATCTTAAGTAAGACATCTCGTAAAAA-3'